The following is an entry in ClinVar:

ClinVar aggregate classification (germline): Uncertain significance (1 of 4 stars; one submission).

Conditions:
DICER1-related tumor predisposition. Also called: DICER1-related pleuropulmonary blastoma cancer predisposition syndrome; DICER1 syndrome. Identifiers: Orphanet 284343, MedGen C3839822, MONDO:0100216.

Submission:

Labcorp Genetics (formerly Invitae), Labcorp
Classification: Uncertain significance for DICER1-related tumor predisposition. Last evaluated: 2020-03-06. Review status: criteria provided, single submitter. Criteria: Invitae Variant Classification Sherloc (09022015). Collection method: clinical testing. Allele origin: germline.
Comment: In summary, the available evidence is currently insufficient to determine the role of this variant in disease. Therefore, it has been classified as a Variant of Uncertain Significance. Algorithms developed to predict the effect of missense changes on protein structure and function are either unavailable or do not agree on the potential impact of this missense change (SIFT: "Not Available"; PolyPhen-2: "Probably Damaging"; Align-GVGD: "Not Available"). This variant has not been reported in the literature in individuals with DICER1-related conditions. This variant is not present in population databases (ExAC no frequency). This sequence change replaces glycine with serine at codon 1575 of the DICER1 protein (p.Gly1575Ser). The glycine residue is moderately conserved and there is a small physicochemical difference between glycine and serine.

NM_177438.3(DICER1):c.4723_4724delinsTC (p.Gly1575Ser)

Gene: DICER1 (dicer 1, ribonuclease III; minus strand). Cytogenetic location: 14q32.13.
Variant type: Indel.
Coding change: c.4723_4724delinsTC on transcript NM_177438.3 (MANE Select); coding-DNA positions 4723 to 4724, GG replaced by TC.
Protein change: p.Gly1575Ser; replaces glycine 1575 with serine.
Molecular consequence: missense variant.
Genome position (GRCh38, 1-based): chr14:95,096,196-95,096,197, CC replaced by GA on the plus strand (GG replaced by TC on the coding strand, the reverse complement: DICER1 is on the minus strand). VCF-style: chr14-95096196-CC-GA. GRCh37 (hg19) VCF-style: chr14-95562533-CC-GA.
Other names: c.4723_4724delinsTC, p.Gly1575Ser (NM_001195573.1, NM_001271282.3, NM_001291628.2 and 1 more transcripts); short protein forms G1575S.
Identifiers: ClinVar variation 1018597 (VCV001018597.8), dbSNP rs1890315147, ClinGen allele CA2156302534.